The following is an entry in ClinVar:

NM_004655.4(AXIN2):c.1304C>G (p.Pro435Arg)

Gene: AXIN2 (axin 2; minus strand). Cytogenetic location: 17q24.1.
Variant type: single nucleotide variant.
Coding change: c.1304C>G on transcript NM_004655.4 (MANE Select); coding-DNA position 1304, C replaced by G.
Protein change: p.Pro435Arg; replaces proline 435 with arginine.
Molecular consequence: missense variant.
Genome position (GRCh38, 1-based): chr17:65,537,732, G>C on the plus strand (C>G on the coding strand, the complement: AXIN2 is on the minus strand). VCF-style: chr17-65537732-G-C. GRCh37 (hg19) VCF-style: chr17-63533850-G-C.
Other names: c.1304C>G, p.Pro435Arg (NM_001363813.1); short protein forms P435R.
Identifiers: ClinVar variation 952693 (VCV000952693.9), dbSNP rs1598099499, ClinGen allele CA400677774.

ClinVar aggregate classification (germline): Uncertain significance (1 of 4 stars; one submission).

Conditions:
Oligodontia-cancer predisposition syndrome. Also called: TOOTH AGENESIS-COLORECTAL CANCER SYNDROME. Identifiers: Orphanet 300576, MedGen C1837750, MONDO:0012075, OMIM 608615. Disease mechanism: loss of function.

Submission:

Labcorp Genetics (formerly Invitae), Labcorp
Classification: Uncertain significance for Oligodontia-cancer predisposition syndrome. Last evaluated: 2019-05-02. Review status: criteria provided, single submitter. Criteria: Invitae Variant Classification Sherloc (09022015). Collection method: clinical testing. Allele origin: germline.
Comment: This sequence change replaces proline with arginine at codon 435 of the AXIN2 protein (p.Pro435Arg). The proline residue is highly conserved and there is a moderate physicochemical difference between proline and arginine. In summary, the available evidence is currently insufficient to determine the role of this variant in disease. Therefore, it has been classified as a Variant of Uncertain Significance. Algorithms developed to predict the effect of missense changes on protein structure and function are either unavailable or do not agree on the potential impact of this missense change (SIFT: "Deleterious"; PolyPhen-2: "Probably Damaging"; Align-GVGD: "Class C0"). This variant has not been reported in the literature in individuals with AXIN2-related conditions. This variant is not present in population databases (ExAC no frequency).